The following is an entry in ClinVar:

ClinVar aggregate classification (germline): Uncertain significance (1 of 4 stars; one submission).

Submission:

Labcorp Genetics (formerly Invitae), Labcorp
Classification: Uncertain significance. Last evaluated: 2021-11-05. Review status: criteria provided, single submitter. Criteria: Invitae Variant Classification Sherloc (09022015). Collection method: clinical testing. Allele origin: germline.
Comment: This variant has not been reported in the literature in individuals affected with ANXA11-related conditions. Algorithms developed to predict the effect of missense changes on protein structure and function are either unavailable or do not agree on the potential impact of this missense change (SIFT: "Deleterious"; PolyPhen-2: "Probably Damaging"; Align-GVGD: "Class C0"). In summary, the available evidence is currently insufficient to determine the role of this variant in disease. Therefore, it has been classified as a Variant of Uncertain Significance. This variant is not present in population databases (gnomAD no frequency). This sequence change replaces threonine, which is neutral and polar, with alanine, which is neutral and non-polar, at codon 330 of the ANXA11 protein (p.Thr330Ala).

NM_145868.2(ANXA11):c.988A>G (p.Thr330Ala)

Gene: ANXA11 (annexin A11; minus strand). Cytogenetic location: 10q22.3.
Variant type: single nucleotide variant.
Coding change: c.988A>G on transcript NM_145868.2 (MANE Select); coding-DNA position 988, A replaced by G.
Protein change: p.Thr330Ala; replaces threonine 330 with alanine.
Molecular consequence: missense variant.
Genome position (GRCh38, 1-based): chr10:80,163,575, T>C on the plus strand (A>G on the coding strand, the complement: ANXA11 is on the minus strand). VCF-style: chr10-80163575-T-C. GRCh37 (hg19) VCF-style: chr10-81923331-T-C.
Other names: c.988A>G, p.Thr330Ala (NM_001157.3, NM_001278407.2, NM_001278408.2 and 1 more transcripts); c.889A>G, p.Thr297Ala (NM_001278409.2); short protein forms T297A, T330A.
Identifiers: ClinVar variation 1487094 (VCV001487094.6), dbSNP rs2132386568, ClinGen allele CA377365694.